The following is an entry in ClinVar:

NM_001754.5(RUNX1):c.510G>T (p.Gly170=)

Genes: RUNX1 (RUNX family transcription factor 1; minus strand), RUNX1-AS1 (RUNX1 antisense RNA 1; plus strand). Cytogenetic location: 21q22.12.
Variant type: single nucleotide variant.
Coding change: c.510G>T on transcript NM_001754.5 (MANE Select); coding-DNA position 510, G replaced by T.
Protein change: p.Gly170=; no amino-acid change (glycine 170 retained).
Molecular consequence: synonymous variant.
Genome position (GRCh38, 1-based): chr21:34,859,577, C>A on the plus strand (G>T on the coding strand, the complement: RUNX1 is on the minus strand). VCF-style: chr21-34859577-C-A. GRCh37 (hg19) VCF-style: chr21-36231874-C-A.
Other names: NM_001754.5(RUNX1):c.510G>T; p.Gly170=; c.429G>T, p.Gly143= (NM_001001890.3, NM_001122607.2).
Identifiers: ClinVar variation 835308 (VCV000835308.12), dbSNP rs2057542703, ClinGen allele CA512319137.

ClinVar aggregate classification (germline): Likely benign. Review status: reviewed by expert panel (3 of 4 stars). 3 submissions from 3 submitters: Likely benign (1). 2 of the submissions do not count toward it. Last evaluated 2024-09-18.

Conditions:
Hereditary thrombocytopenia and hematologic cancer predisposition syndrome. Identifiers: Orphanet 71290, MedGen CN281654, MONDO:0011071.
Inborn genetic diseases. Identifiers: MedGen C0950123, MeSH D030342.
Hereditary thrombocytopenia and hematological cancer predisposition syndrome associated with RUNX1. Also called: PLATELET DISORDER, ASPIRIN-LIKE; Familial Platelet Disorder with Propensity to Acute Myelogenous Leukemia; Familial thrombocytopenia with propensity to acute myelogenous leukemia; RUNX1 Familial Platelet Disorder with Associated Myeloid Malignancies. Identifiers: Orphanet 71290, MedGen C1832388, MeSH C563324, MONDO:0100083, OMIM 601399.

Allele frequency attached by ClinVar (database versions not stated): TOPMed below 0.00001; gnomAD exomes 0.00001.
gnomAD v4.1: 10 of 1,612,660 alleles (0.00062%); highest among the groups gnomAD compares: African/African-American, 0.0013%; no homozygotes.

Submissions (3):

ClinGen Myeloid Malignancy Variant Curation Expert Panel
Classification: Likely benign for Hereditary thrombocytopenia and hematologic cancer predisposition syndrome. Last evaluated: 2024-09-18. Review status: reviewed by expert panel. Criteria: ClinGen MyeloMalig ACMG Specifications v2. Collection method: curation. Allele origin: germline. Inheritance: Autosomal dominant inheritance.
Comment: NM_001754.5(RUNX1):c.510G>T (p.Gly170=) is a synonymous variant which has a SpliceAI score ≤ 0.20 (0.0) (BP4). This variant has a SpliceAI score ≤ 0.20 (0.0) and evolutionary conservation algorithms predict the site as being not conserved (PhyloP score ≤ 2.0 (-0.45) (BP7). This variant is completely absent from all population databases with at least 20x coverage for RUNX1 (PM2_Supporting). In summary, this variant meets criteria to be classified as likely benign. ACMG/AMP criteria applied, as specified by the Myeloid Malignancy Variant Curation Expert Panel for RUNX1: BP4, BP7, PM2_supporting.

Ambry Genetics
Classification: Likely benign for Inborn genetic diseases. Last evaluated: 2024-11-17. Review status: criteria provided, single submitter. Criteria: Ambry Variant Classification Scheme 2023. Collection method: clinical testing. Allele origin: germline. Not counted in ClinVar's aggregate classification.

Labcorp Genetics (formerly Invitae), Labcorp
Classification: Likely benign for Hereditary thrombocytopenia and hematological cancer predisposition syndrome associated with RUNX1. Last evaluated: 2023-11-14. Review status: criteria provided, single submitter. Criteria: Invitae Variant Classification Sherloc (09022015). Collection method: clinical testing. Allele origin: germline. Not counted in ClinVar's aggregate classification.